The following is an entry in ClinVar:

ClinVar aggregate classification (germline): Uncertain significance (1 of 4 stars; one submission).

Conditions:
Hereditary cancer-predisposing syndrome. Also called: Tumor predisposition; Hereditary neoplastic syndrome; Neoplastic Syndromes, Hereditary; Hereditary Cancer Syndrome. Identifiers: Orphanet 140162, MedGen C0027672, MeSH D009386, MONDO:0015356.

Submission:

Ambry Genetics
Classification: Uncertain significance for Hereditary cancer-predisposing syndrome. Last evaluated: 2025-05-31. Review status: criteria provided, single submitter. Criteria: Ambry Variant Classification Scheme 2023. Collection method: clinical testing. Allele origin: germline.
Comment: The p.T203N variant (also known as c.608C>A), located in coding exon 6 of the EPCAM gene, results from a C to A substitution at nucleotide position 608. The threonine at codon 203 is replaced by asparagine, an amino acid with similar properties. This amino acid position is conserved. In addition, this alteration is predicted to be tolerated by in silico analysis. Based on the available evidence, the clinical significance of this variant remains unclear.

NM_002354.3(EPCAM):c.608C>A (p.Thr203Asn)

Gene: EPCAM (epithelial cell adhesion molecule; plus strand). Cytogenetic location: 2p21.
Variant type: single nucleotide variant.
Coding change: c.608C>A on transcript NM_002354.3 (MANE Select); coding-DNA position 608, C replaced by A.
Protein change: p.Thr203Asn; replaces threonine 203 with asparagine.
Molecular consequence: missense variant.
Genome position (GRCh38, 1-based): chr2:47,379,005, C>A. VCF-style: chr2-47379005-C-A. GRCh37 (hg19) VCF-style: chr2-47606144-C-A.
Other names: short protein forms T203N.
Identifiers: ClinVar variation 4018580 (VCV004018580.1).